The following is an entry in ClinVar:

NM_000089.4(COL1A2):c.1868A>C (p.Glu623Ala)

Gene: COL1A2 (collagen type I alpha 2 chain; plus strand). Cytogenetic location: 7q21.3.
Variant type: single nucleotide variant.
Coding change: c.1868A>C on transcript NM_000089.4 (MANE Select); coding-DNA position 1868, A replaced by C.
Protein change: p.Glu623Ala; replaces glutamic acid 623 with alanine.
Molecular consequence: missense variant.
Genome position (GRCh38, 1-based): chr7:94,417,728, A>C. VCF-style: chr7-94417728-A-C. GRCh37 (hg19) VCF-style: chr7-94047040-A-C.
Other names: short protein forms E623A.
Identifiers: ClinVar variation 4843205 (VCV004843205.1).
Genomic context (GRCh38, chr7:94,417,728, plus strand): 5'-ATTCTTCATTTTCTTCTTTCTCCACTAAAATTGATTTCACATGTGTTTGACTCAAGGGTG[A>C]ACCTGGTGTGGTTGGTGCTGTGGGCACTGCTGGTCCATCTGGTCCTAGTGGACTCCCAGG-3'
Protein context (NP_000080.2, residues 613-633): GPPGPDGNKG[Glu623Ala]PGVVGAVGTA

ClinVar aggregate classification (germline): Uncertain significance (1 of 4 stars; one submission).

Conditions:
Cardiovascular phenotype. Identifiers: MedGen CN230736.

Submission:

Ambry Genetics
Classification: Uncertain significance for Cardiovascular phenotype. Last evaluated: 2026-01-06. Review status: criteria provided, single submitter. Criteria: Ambry Variant Classification Scheme 2023. Collection method: clinical testing. Allele origin: germline.
Comment: The p.E623A variant (also known as c.1868A>C), located in coding exon 32 of the COL1A2 gene, results from an A to C substitution at nucleotide position 1868. The glutamic acid at codon 623 is replaced by alanine, an amino acid with dissimilar properties. This amino acid position is conserved. In addition, this alteration is predicted to be deleterious by in silico analysis. Based on the available evidence, the clinical significance of this variant remains unclear.